The following is an entry in ClinVar:

NM_001943.5(DSG2):c.1466T>C (p.Val489Ala)

Gene: DSG2 (desmoglein 2; plus strand). Cytogenetic location: 18q12.1.
Variant type: single nucleotide variant.
Coding change: c.1466T>C on transcript NM_001943.5 (MANE Select); coding-DNA position 1466, T replaced by C.
Protein change: p.Val489Ala; replaces valine 489 with alanine.
Molecular consequence: missense variant.
Genome position (GRCh38, 1-based): chr18:31,536,244, T>C. VCF-style: chr18-31536244-T-C. GRCh37 (hg19) VCF-style: chr18-29116207-T-C.
Other names: c.1466T>C (NM_001943.3); short protein forms V489A.
Identifiers: ClinVar variation 1172899 (VCV001172899.8), dbSNP rs748619993, ClinGen allele CA042528.

ClinVar aggregate classification (germline): Uncertain significance. Review status: criteria provided, multiple submitters, no conflicts (2 of 4 stars). 4 submissions from 4 submitters: Uncertain significance (4). Last evaluated 2025-03-25.

Conditions:
Arrhythmogenic right ventricular dysplasia 10. Also called: Arrhythmogenic Right Ventricular Dysplasia/Cardiomyopathy10; ARRHYTHMOGENIC RIGHT VENTRICULAR DYSPLASIA, FAMILIAL, 10; Arrhythmogenic right ventricular dysplasia/cardiomyopathy, type 10. Identifiers: MedGen C1857777, MONDO:0012434, OMIM 610193.
Cardiovascular phenotype. Identifiers: MedGen CN230736.

Allele frequency attached by ClinVar (database versions not stated): gnomAD exomes below 0.00001 and 0.00001; ExAC 0.00001; gnomAD 0.00001.
gnomAD v4.1: 4 of 1,614,110 alleles (0.00025%); highest among the groups gnomAD compares: Non-Finnish European, 0.00034%; no homozygotes.

Submissions (4):

Ambry Genetics
Classification: Uncertain significance for Cardiovascular phenotype. Last evaluated: 2025-03-25. Review status: criteria provided, single submitter. Criteria: Ambry Variant Classification Scheme 2023. Collection method: clinical testing. Allele origin: germline.
Comment: The p.V489A variant (also known as c.1466T>C), located in coding exon 11 of the DSG2 gene, results from a T to C substitution at nucleotide position 1466. The valine at codon 489 is replaced by alanine, an amino acid with similar properties. This amino acid position is conserved. In addition, the in silico prediction for this alteration is inconclusive. Based on the available evidence, the clinical significance of this variant remains unclear.

Labcorp Genetics (formerly Invitae), Labcorp
Classification: Uncertain significance for Arrhythmogenic right ventricular dysplasia 10. Last evaluated: 2022-12-14. Review status: criteria provided, single submitter. Criteria: Invitae Variant Classification Sherloc (09022015). Collection method: clinical testing. Allele origin: germline.
Comment: In summary, the available evidence is currently insufficient to determine the role of this variant in disease. Therefore, it has been classified as a Variant of Uncertain Significance. Advanced modeling of protein sequence and biophysical properties (such as structural, functional, and spatial information, amino acid conservation, physicochemical variation, residue mobility, and thermodynamic stability) performed at Invitae indicates that this missense variant is not expected to disrupt DSG2 protein function. ClinVar contains an entry for this variant (Variation ID: 1172899). This variant has not been reported in the literature in individuals affected with DSG2-related conditions. This variant is present in population databases (rs748619993, gnomAD 0.0009%). This sequence change replaces valine, which is neutral and non-polar, with alanine, which is neutral and non-polar, at codon 489 of the DSG2 protein (p.Val489Ala).

GeneDx
Classification: Uncertain significance. Last evaluated: 2022-12-06. Review status: criteria provided, single submitter. Criteria: GeneDx Variant Classification Process June 2021. Collection method: clinical testing. Allele origin: germline. Affected: yes.
Comment: Has not been previously published as pathogenic or benign to our knowledge; Not observed at significant frequency in large population cohorts (gnomAD); In silico analysis supports that this missense variant has a deleterious effect on protein structure/function

Women's Health and Genetics/Laboratory Corporation of America, LabCorp
Classification: Uncertain significance. Last evaluated: 2021-06-01. Review status: criteria provided, single submitter. Criteria: LabCorp Variant Classification Summary - May 2015. Collection method: clinical testing. Allele origin: germline.
Comment: Variant summary: DSG2 c.1466T>C (p.Val489Ala) results in a non-conservative amino acid change located in the Cadherin-like domain (IPR002126) of the encoded protein sequence. Five of five in-silico tools predict a damaging effect of the variant on protein function. The variant allele was found at a frequency of 4e-06 in 249362 control chromosomes. The available data on variant occurrences in the general population are insufficient to allow any conclusion about variant significance. To our knowledge, no occurrence of c.1466T>C in individuals affected with Arrhythmogenic Right Ventricular Dysplasia/Cardiomyopathy and no experimental evidence demonstrating its impact on protein function have been reported. At-least one co-occurrence with another pathogenic variant has been observed at our laboratory (PKP2 c.2489+1G>A), providing supporting evidence for a benign role. No clinical diagnostic laboratories have submitted clinical-significance assessments for this variant to ClinVar after 2014. Based on the evidence outlined above, the variant was classified as uncertain significance.